The following is an entry in ClinVar:

ClinVar aggregate classification (germline): Likely pathogenic. Review status: criteria provided, multiple submitters, no conflicts (2 of 4 stars). 2 submissions from 2 submitters: Likely pathogenic (2). Last evaluated 2023-04-24.

Conditions:
Wilms tumor 1 (WT1). Also called: Wilms tumor, somatic. Identifiers: Orphanet 654, MedGen CN033288, MONDO:0008679, OMIM 194070.

Submissions (2):

GeneDx
Classification: Likely pathogenic. Last evaluated: 2023-04-24. Review status: criteria provided, single submitter. Criteria: GeneDx Variant Classification Process June 2021. Collection method: clinical testing. Allele origin: germline.
Comment: Reported in the hemizygous state in a fetus with fetal akinesia in the published literature (Falb et al., 2021); Same amino acid substitution caused by a different nucleotide change (c.1666 G>A) has been reported in the published literature in association with Simpson-Golabi-Behmel syndrome (Vuillaume et al., 2018); Not observed at significant frequency in large population cohorts (gnomAD); In silico analysis supports that this missense variant does not alter protein structure/function; This variant is associated with the following publications: (PMID: 29637653, 19215053, 18203194, 34740919)

Labcorp Genetics (formerly Invitae), Labcorp
Classification: Likely pathogenic for Wilms tumor 1. Last evaluated: 2021-09-19. Review status: criteria provided, single submitter. Criteria: Invitae Variant Classification Sherloc (09022015). Collection method: clinical testing. Allele origin: germline.
Comment: In summary, the currently available evidence indicates that the variant is pathogenic, but additional data are needed to prove that conclusively. Therefore, this variant has been classified as Likely Pathogenic. Experimental studies have shown that this missense change affects GPC3 function (PMID: 19215053). Algorithms developed to predict the effect of missense changes on protein structure and function are either unavailable or do not agree on the potential impact of this missense change (SIFT: "Tolerated"; PolyPhen-2: "Probably Damaging"; Align-GVGD: "Class C0"). This missense change has been observed in individuals with Simpson-Golabi-Behmel syndrome (PMID: 29637653). This variant is not present in population databases (ExAC no frequency). This sequence change replaces glycine with arginine at codon 556 of the GPC3 protein (p.Gly556Arg). The glycine residue is weakly conserved and there is a moderate physicochemical difference between glycine and arginine.

Literature cited by the submitters: PubMed 19215053 (cited by Labcorp Genetics (formerly Invitae), Labcorp); PubMed 29637653 (cited by Labcorp Genetics (formerly Invitae), Labcorp).

NM_004484.4(GPC3):c.1666G>C (p.Gly556Arg)

Gene: GPC3 (glypican 3; minus strand). Cytogenetic location: Xq26.2.
Variant type: single nucleotide variant.
Coding change: c.1666G>C on transcript NM_004484.4 (MANE Select); coding-DNA position 1666, G replaced by C.
Protein change: p.Gly556Arg; replaces glycine 556 with arginine.
Molecular consequence: missense variant.
Genome position (GRCh38, 1-based): chrX:133,536,201, C>G on the plus strand (G>C on the coding strand, the complement: GPC3 is on the minus strand). VCF-style: chrX-133536201-C-G. GRCh37 (hg19) VCF-style: chrX-132670229-C-G.
Other names: c.1666G>C (NM_004484.3); c.1735G>C, p.Gly579Arg (NM_001164617.2); c.1618G>C, p.Gly540Arg (NM_001164618.2); c.1504G>C, p.Gly502Arg (NM_001164619.2); short protein forms G502R, G579R, G540R, G556R.
Identifiers: ClinVar variation 1500542 (VCV001500542.7), dbSNP rs267606850, ClinGen allele CA414702626.
Genomic context (GRCh38, chrX:133,536,201, plus strand): 5'-AGAAGCACACCACCGAGATGGCCATGCTGGTGAGAAGCTTCAGCGGGGAATGAACGTTCC[C>G]GAGGTTGTGAAAGGTGCTTATCTCGTTGTCCTTCGGAGTTGCCTGCTGACTGTTTCCAGG-3'
Protein context (NP_004475.1, residues 546-566): DNEISTFHNL[Gly556Arg]NVHSPLKLLT